The following is an entry in ClinVar:

ClinVar aggregate classification (germline): Benign (1 of 4 stars; one submission).

Submission:

GeneDx
Classification: Benign. Last evaluated: 2012-04-11. Review status: criteria provided, single submitter. Criteria: GeneDx Variant Classification (06012015). Collection method: clinical testing. Allele origin: germline. Affected: yes.
Comment: The variant is found in MITONUC-MITOP panel(s).

NM_152416.4(NDUFAF6):c.421-15del

Gene: NDUFAF6 (NADH:ubiquinone oxidoreductase complex assembly factor 6; plus strand). Cytogenetic location: 8q22.1.
Variant type: Deletion.
Coding change: c.421-15del on transcript NM_152416.4 (MANE Select); 15 bases into the intron before coding-DNA position 421, one base deleted (C; older notation c.421-15delC).
Molecular consequence: intron variant.
Genome position (GRCh38, 1-based): chr8:95,041,555, C deleted. VCF-style (leftmost placement, unchanged base first): chr8-95041554-GC-G. GRCh37 (hg19) VCF-style: chr8-96053782-GC-G.
Other names: c.88-15del (NM_001354534.2, NM_001354518.2, NM_001354519.2 and 1 more transcripts); c.145-15del (NM_001354514.2, NM_001354515.2, NM_001330582.2 and 1 more transcripts); c.-36-15del (NM_001354525.2, NM_001354524.2, NM_001354522.2 and 7 more transcripts); c.265-15del (NM_001354516.2).
Identifiers: ClinVar variation 214205 (VCV000214205.1), dbSNP rs863223927, ClinGen allele CA322124.